The following is an entry in ClinVar:

ClinVar aggregate classification (germline): Uncertain significance (1 of 4 stars; one submission).

Conditions:
Fanconi anemia (FA). Also called: Fanconi's anemia. Identifiers: Orphanet 84, MedGen C0015625, MeSH D005199, MONDO:0019391.

Allele frequency attached by ClinVar (database versions not stated): gnomAD exomes 0.00001; gnomAD 0.00003; TOPMed 0.00005.
gnomAD v4.1: 11 of 1,166,702 alleles (0.00094%); highest among the groups gnomAD compares: Admixed American, 0.013%; no homozygotes.

Submissions (2):

Labcorp Genetics (formerly Invitae), Labcorp
Classification: Uncertain significance for Fanconi anemia. Last evaluated: 2022-10-16. Review status: criteria provided, single submitter. Criteria: Invitae Variant Classification Sherloc (09022015). Collection method: clinical testing. Allele origin: germline.
Comment: This sequence change affects codon 368 of the FANCB mRNA. It is a 'silent' change, meaning that it does not change the encoded amino acid sequence of the FANCB protein. This variant also falls at the last nucleotide of exon 4, which is part of the consensus splice site for this exon. This variant is present in population databases (rs761873562, gnomAD 0.004%), including at least one homozygous and/or hemizygous individual. This variant has not been reported in the literature in individuals affected with FANCB-related conditions. Variants that disrupt the consensus splice site are a relatively common cause of aberrant splicing (PMID: 17576681, 9536098). Algorithms developed to predict the effect of sequence changes on RNA splicing suggest that this variant is not likely to affect RNA splicing. In summary, the available evidence is currently insufficient to determine the role of this variant in disease. Therefore, it has been classified as a Variant of Uncertain Significance.

Dr. Peter K. Rogan Lab, Western University
No classification provided (evidence only). Condition: Nonpapillary renal cell carcinoma. Review status: no classification provided. Collection method: in vitro. Allele origin: not applicable. Functional consequence: retained intron. Not counted in ClinVar's aggregate classification.

Literature cited by the submitters: PubMed 17576681 (cited by Labcorp Genetics (formerly Invitae), Labcorp); PubMed 9536098 (cited by Labcorp Genetics (formerly Invitae), Labcorp).

NM_001018113.3(FANCB):c.1104G>A (p.Ser368=)

Gene: FANCB (FA complementation group B; minus strand). Cytogenetic location: Xp22.2.
Variant type: single nucleotide variant.
Coding change: c.1104G>A on transcript NM_001018113.3 (MANE Select); coding-DNA position 1104, G replaced by A.
Protein change: p.Ser368=; no amino-acid change (serine 368 retained).
Molecular consequence: synonymous variant.
Genome position (GRCh38, 1-based): chrX:14,859,182, C>T on the plus strand (G>A on the coding strand, the complement: FANCB is on the minus strand). VCF-style: chrX-14859182-C-T. GRCh37 (hg19) VCF-style: chrX-14877304-C-T.
Other names: c.1104G>A, p.Ser368= (NM_001324162.2, NM_001410764.1, NM_152633.4).
Identifiers: ClinVar variation 2428362 (VCV002428362.5), dbSNP rs761873562, ClinGen allele CA10353129.